The following is an entry in ClinVar:

NM_004140.4(LLGL1):c.2066A>G (p.Asn689Ser)

Gene: LLGL1 (LLGL scribble cell polarity complex component 1; plus strand). Cytogenetic location: 17p11.2.
Variant type: single nucleotide variant.
Coding change: c.2066A>G on transcript NM_004140.4 (MANE Select); coding-DNA position 2066, A replaced by G.
Protein change: p.Asn689Ser; replaces asparagine 689 with serine.
Molecular consequence: missense variant.
Genome position (GRCh38, 1-based): chr17:18,238,469, A>G. VCF-style: chr17-18238469-A-G. GRCh37 (hg19) VCF-style: chr17-18141783-A-G.
Other names: short protein forms N689S.
Identifiers: ClinVar variation 4871989 (VCV004871989.2).

ClinVar aggregate classification (germline): Likely benign (1 of 4 stars; one submission).

gnomAD v4.1: 3,613 of 1,610,736 alleles (0.22%); highest among the groups gnomAD compares: Non-Finnish European, 0.28%; 8 homozygotes.

Submission:

CeGaT Center for Human Genetics Tuebingen
Classification: Likely benign. Last evaluated: 2026-06-01. Review status: criteria provided, single submitter. Criteria: CeGaT Center For Human Genetics Tuebingen Variant Classification Criteria Version 2. Collection method: clinical testing. Allele origin: germline. Affected: yes. Observed: 2 variant alleles.
Comment: LLGL1: BS2